The following is an entry in ClinVar:

ClinVar aggregate classification (germline): Likely benign (1 of 4 stars; one submission).

Submission:

CeGaT Center for Human Genetics Tuebingen
Classification: Likely benign. Last evaluated: 2024-07-01. Review status: criteria provided, single submitter. Criteria: CeGaT Center For Human Genetics Tuebingen Variant Classification Criteria Version 2. Collection method: clinical testing. Allele origin: germline. Affected: yes. Observed: 1 variant allele.
Comment: KCNQ1OT1: PM2, BS2

NM_000218.3(KCNQ1):c.1514+12838A>G

Genes: KCNQ1 (potassium voltage-gated channel subfamily Q member 1; plus strand), KCNQ1OT1 (KCNQ1 opposite strand/antisense transcript 1; minus strand). Cytogenetic location: 11p15.5.
Variant type: single nucleotide variant.
Coding change: c.1514+12838A>G on transcript NM_000218.3 (MANE Select); 12838 bases into the intron after coding-DNA position 1514, A replaced by G.
Molecular consequence: intron variant. On other transcripts: non-coding transcript variant (1).
Genome position (GRCh38, 1-based): chr11:2,674,919, A>G. VCF-style: chr11-2674919-A-G. GRCh37 (hg19) VCF-style: chr11-2696149-A-G.
Other names: c.1244+12838A>G (NM_001406837.1); c.1418+12838A>G (NM_001406836.1); c.974+12838A>G (NM_001406838.1); c.1133+12838A>G (NM_181798.2).
Identifiers: ClinVar variation 3257277 (VCV003257277.17).